The following is an entry in ClinVar:

NM_001321142.2(CIDEC):c.631_640del (p.Gln211fs)

Gene: CIDEC (cell death inducing DFFA like effector c; minus strand). Cytogenetic location: 3p25.3.
Variant type: Deletion.
Coding change: c.631_640del on transcript NM_001321142.2 (MANE Select); coding-DNA positions 631 to 640, 10 bases deleted (CAGCTCCTCG; older notation c.631_640delCAGCTCCTCG).
Protein change: p.Gln211fs; shifts the reading frame from glutamine 211.
Molecular consequence: frameshift variant.
Genome position (GRCh38, 1-based): chr3:9,867,211-9,867,220, CGAGGAGCTG deleted on the plus strand (CAGCTCCTCG on the coding strand, the reverse complement: CIDEC is on the minus strand); deleting any 10 consecutive bases within chr3:9,867,211-9,867,221 gives the same sequence; the c. name uses the placement nearest the transcript's 3' end. VCF-style (leftmost placement, unchanged base first): chr3-9867210-TCGAGGAGCTG-T. GRCh37 (hg19) VCF-style: chr3-9908894-TCGAGGAGCTG-T.
Other names: c.631_640del, p.Gln211fs (NM_001378491.1, NM_022094.3, NM_001199552.2); c.661_670del, p.Gln221fs (NM_001199551.2); c.670_679del, p.Gln224fs (NM_001199623.2); c.409_418del, p.Gln137fs (NM_001321143.2, NM_001321144.2); c.631_640delCAGCTCCTCG (NM_022094.3); short protein forms Q137fs, Q211fs, Q221fs, Q224fs.
Identifiers: ClinVar variation 4850244 (VCV004850244.1).

ClinVar aggregate classification (germline): Likely pathogenic (1 of 4 stars; one submission).

Conditions:
CIDEC-related familial partial lipodystrophy. Also called: LIPODYSTROPHY, FAMILIAL PARTIAL, ASSOCIATED WITH CIDEC MUTATIONS; Familial partial lipodystrophy 5. Identifiers: Orphanet 435651, MedGen C3808940, MONDO:0014098, OMIM 615238.

Submission:

First Genomix Gene Laboratory, Genetic Diagnostics Department
Classification: Likely pathogenic for CIDEC-related familial partial lipodystrophy. Last evaluated: 2025-09-02. Review status: criteria provided, single submitter. Criteria: ACMG Guidelines, 2015. Collection method: clinical testing. Allele origin: germline. Inheritance: Autosomal recessive inheritance. Affected: no. Observed: 1 variant allele.